The following is an entry in ClinVar:

ClinVar aggregate classification (germline): Benign/Likely benign. Review status: criteria provided, multiple submitters, no conflicts (2 of 4 stars). 3 submissions from 3 submitters: Benign (2); Likely benign (1). Last evaluated 2022-09-01.

Allele frequency attached by ClinVar (database versions not stated): 1000 Genomes Project 30x 0.00281; 1000 Genomes Project 0.00319; gnomAD 0.00453 and 0.00463; TOPMed 0.00496; ESP Exome Variant Server 0.00584.

Submissions (3):

CeGaT Center for Human Genetics Tuebingen
Classification: Likely benign. Last evaluated: 2022-09-01. Review status: criteria provided, single submitter. Criteria: CeGaT Center For Human Genetics Tuebingen Variant Classification Criteria Version 2. Collection method: clinical testing. Allele origin: germline. Affected: yes. Observed: 2 variant alleles.
Comment: CYP4B1: BP4, BP7

Labcorp Genetics (formerly Invitae), Labcorp
Classification: Benign. Last evaluated: 2019-12-31. Review status: criteria provided, single submitter. Criteria: Invitae Variant Classification Sherloc (09022015). Collection method: clinical testing. Allele origin: germline.

Breakthrough Genomics
Classification: Benign. Review status: criteria provided, single submitter. Criteria: ACMG Guidelines, 2015. Collection method: not provided. Allele origin: germline. Inheritance: Unknown mechanism. Affected: yes.

NM_001099772.2(CYP4B1):c.849C>T (p.His283=)

Gene: CYP4B1 (cytochrome P450 family 4 subfamily B member 1; plus strand). Cytogenetic location: 1p33.
Variant type: single nucleotide variant.
Coding change: c.849C>T on transcript NM_001099772.2 (MANE Select); coding-DNA position 849, C replaced by T.
Protein change: p.His283=; no amino-acid change (histidine 283 retained).
Molecular consequence: synonymous variant. On other transcripts: non-coding transcript variant (1).
Genome position (GRCh38, 1-based): chr1:46,814,282, C>T. VCF-style: chr1-46814282-C-T. GRCh37 (hg19) VCF-style: chr1-47279954-C-T.
Other names: c.846C>T, p.His282= (NM_000779.4); c.804C>T, p.His268= (NM_001319161.2); c.360C>T, p.His120= (NM_001319162.2); c.357C>T, p.His119= (NM_001319163.2).
Identifiers: ClinVar variation 787695 (VCV000787695.29), dbSNP rs45463299, ClinGen allele CA838944.